The following is an entry in ClinVar:

ClinVar aggregate classification (germline): Uncertain significance. Review status: criteria provided, multiple submitters, no conflicts (2 of 4 stars). 3 submissions from 3 submitters: Uncertain significance (3). Last evaluated 2025-07-12.

Conditions:
Inborn genetic diseases. Identifiers: MedGen C0950123, MeSH D030342.

Allele frequency attached by ClinVar (database versions not stated): ExAC 0.00002; gnomAD exomes 0.00002; gnomAD 0.00006; TOPMed 0.00006.
gnomAD v4.1: 39 of 1,604,918 alleles (0.0024%); highest among the groups gnomAD compares: Admixed American, 0.019%; no homozygotes.

Submissions (3):

Ambry Genetics
Classification: Uncertain significance for Inborn genetic diseases. Last evaluated: 2025-07-12. Review status: criteria provided, single submitter. Criteria: Ambry Variant Classification Scheme 2023. Collection method: clinical testing. Allele origin: germline.

Labcorp Genetics (formerly Invitae), Labcorp
Classification: Uncertain significance. Last evaluated: 2023-07-14. Review status: criteria provided, single submitter. Criteria: Invitae Variant Classification Sherloc (09022015). Collection method: clinical testing. Allele origin: germline.
Comment: This sequence change replaces threonine, which is neutral and polar, with methionine, which is neutral and non-polar, at codon 124 of the LAMA5 protein (p.Thr124Met). The frequency data for this variant in the population databases is considered unreliable, as metrics indicate poor data quality at this position in the gnomAD database. This variant has not been reported in the literature in individuals affected with LAMA5-related conditions. ClinVar contains an entry for this variant (Variation ID: 2081880). An algorithm developed to predict the effect of missense changes on protein structure and function (PolyPhen-2) suggests that this variant is likely to be disruptive. In summary, the available evidence is currently insufficient to determine the role of this variant in disease. Therefore, it has been classified as a Variant of Uncertain Significance.

GeneDx
Classification: Uncertain significance. Last evaluated: 2020-12-19. Review status: criteria provided, single submitter. Criteria: GeneDx Variant Classification Process June 2021. Collection method: clinical testing. Allele origin: germline. Affected: yes.
Comment: In silico analysis supports that this missense variant has a deleterious effect on protein structure/function; Has not been previously published as pathogenic or benign to our knowledge; Variants in candidate genes are classified as variants of uncertain significance in accordance with ACMG guidelines (Richards et al., 2015)

NM_005560.6(LAMA5):c.371C>T (p.Thr124Met)

Gene: LAMA5 (laminin subunit alpha 5; minus strand). Cytogenetic location: 20q13.33.
Variant type: single nucleotide variant.
Coding change: c.371C>T on transcript NM_005560.6 (MANE Select); coding-DNA position 371, C replaced by T.
Protein change: p.Thr124Met; replaces threonine 124 with methionine.
Molecular consequence: missense variant.
Genome position (GRCh38, 1-based): chr20:62,362,479, G>A on the plus strand (C>T on the coding strand, the complement: LAMA5 is on the minus strand). VCF-style: chr20-62362479-G-A. GRCh37 (hg19) VCF-style: chr20-60937535-G-A.
Other names: short protein forms T124M.
Identifiers: ClinVar variation 2081880 (VCV002081880.5), dbSNP rs781700836, ClinGen allele CA9944485.
Genomic context (GRCh38, chr20:62,362,479, plus strand): 5'-ACGTTGACCTCGTTGTACTCCAGGCCGCGGGACAGCGGTGGACTCTGCCACCAGCGCTCC[G>A]TGCCATCGATGGCATTGCTCGCGGGGTGTGCCTTGTTGCTGTTGGCAGCCGTGCAGATGT-3'
Protein context (NP_005551.3, residues 114-134): AHPASNAIDG[Thr124Met]ERWWQSPPLS